The following is an entry in ClinVar:

NM_007254.4(PNKP):c.24C>T (p.Gly8=)

Gene: PNKP (polynucleotide kinase 3'-phosphatase; minus strand). Cytogenetic location: 19q13.33.
Variant type: single nucleotide variant.
Coding change: c.24C>T on transcript NM_007254.4 (MANE Select); coding-DNA position 24, C replaced by T.
Protein change: p.Gly8=; no amino-acid change (glycine 8 retained).
Molecular consequence: synonymous variant.
Genome position (GRCh38, 1-based): chr19:49,867,181, G>A on the plus strand (C>T on the coding strand, the complement: PNKP is on the minus strand). VCF-style: chr19-49867181-G-A. GRCh37 (hg19) VCF-style: chr19-50370438-G-A.
Identifiers: ClinVar variation 387676 (VCV000387676.10), dbSNP rs1057522863, ClinGen allele CA16607889.

ClinVar aggregate classification (germline): Likely benign. Review status: criteria provided, multiple submitters, no conflicts (2 of 4 stars). 2 submissions from 2 submitters: Likely benign (2). Last evaluated 2025-03-03.

Conditions:
Developmental and epileptic encephalopathy, 12 (DEE12). Identifiers: MedGen C3150988, MONDO:0013389, OMIM 613722.

Allele frequency attached by ClinVar (database versions not stated): gnomAD 0.00001; gnomAD exomes 0.00001 and 0.00003; TOPMed 0.00001.

Submissions (2):

Labcorp Genetics (formerly Invitae), Labcorp
Classification: Likely benign for Developmental and epileptic encephalopathy, 12. Last evaluated: 2025-03-03. Review status: criteria provided, single submitter. Criteria: Invitae Variant Classification Sherloc (09022015). Collection method: clinical testing. Allele origin: germline.

GeneDx
Classification: Likely benign. Last evaluated: 2016-07-13. Review status: criteria provided, single submitter. Criteria: GeneDx Variant Classification (06012015). Collection method: clinical testing. Allele origin: germline. Affected: yes.
Comment: This variant is considered likely benign or benign based on one or more of the following criteria: it is a conservative change, it occurs at a poorly conserved position in the protein, it is predicted to be benign by multiple in silico algorithms, and/or has population frequency not consistent with disease.